The following is an entry in ClinVar:

NM_001367871.1(FBRSL1):c.1377+129_1377+143del

Gene: FBRSL1 (fibrosin like 1; plus strand). Cytogenetic location: 12q24.33.
Variant type: Deletion.
Coding change: c.1377+129_1377+143del on transcript NM_001367871.1 (MANE Select); bases 129 to 143 of the intron after coding-DNA position 1377, 15 bases deleted (GAGCGGCCTGGCGCC).
Molecular consequence: intron variant.
Genome position (GRCh38, 1-based): chr12:132,571,360-132,571,374, GAGCGGCCTGGCGCC deleted; deleting any 15 consecutive bases within chr12:132,571,355-132,571,374 gives the same sequence; the c. name uses the placement nearest the transcript's 3' end. VCF-style (leftmost placement, unchanged base first): chr12-132571354-AGCGCCGAGCGGCCTG-A. GRCh37 (hg19) VCF-style: chr12-133147940-AGCGCCGAGCGGCCTG-A.
Other names: c.1267_1281del, p.Glu423_Ala427del (NM_001142641.2, NM_001382739.1); c.1213+820_1213+834del (NM_001382740.1).
Identifiers: ClinVar variation 5039548 (VCV005039548.1).

ClinVar aggregate classification (germline): Uncertain significance (1 of 4 stars; one submission).

Submission:

CeGaT Center for Human Genetics Tuebingen
Classification: Uncertain significance. Last evaluated: 2026-07-01. Review status: criteria provided, single submitter. Criteria: CeGaT Center For Human Genetics Tuebingen Variant Classification Criteria Version 2. Collection method: clinical testing. Allele origin: germline. Affected: yes. Observed: 1 variant allele.
Comment: FBRSL1: PM2, PM4